The following is an entry in ClinVar:

ClinVar aggregate classification (germline): Likely pathogenic (1 of 4 stars; one submission).

Conditions:
Hypotonia, ataxia, and delayed development syndrome (HADDS). Also called: EBF3 Neurodevelopmental Disorder. Identifiers: Orphanet 658843, MedGen C4310618, MONDO:0015021, OMIM 617330.

gnomAD v4.1: 1 of 1,560,250 alleles (0.000064%); highest among the groups gnomAD compares: Non-Finnish European, 0.000087%; no homozygotes.

Submission:

Clinical Genetics Laboratory, Skane University Hospital Lund
Classification: Likely pathogenic for Hypotonia, ataxia, and delayed development syndrome. Last evaluated: 2025-02-14. Review status: criteria provided, single submitter. Criteria: ACMG Guidelines, 2015. Collection method: clinical testing. Allele origin: germline. Inheritance: Autosomal dominant inheritance. Affected: yes.
Comment: ACMG criteria used: PVS1_strong, PS2_moderate, PM2

NM_001375380.1(EBF3):c.1373-2A>C

Gene: EBF3 (EBF transcription factor 3; minus strand). Cytogenetic location: 10q26.3.
Variant type: single nucleotide variant.
Coding change: c.1373-2A>C on transcript NM_001375380.1 (MANE Select); the canonical splice acceptor site of the intron before coding-DNA position 1373, A replaced by C.
Molecular consequence: splice acceptor variant. On other transcripts: intron variant (1).
Genome position (GRCh38, 1-based): chr10:129,841,034, T>G on the plus strand (A>C on the coding strand, the complement: EBF3 is on the minus strand). VCF-style: chr10-129841034-T-G. GRCh37 (hg19) VCF-style: chr10-131639298-T-G.
Other names: c.1346-592A>C (NM_001375392.1); c.1346-2A>C (NM_001005463.3, NM_001375390.1); c.1373-2A>C (NM_001375391.1, NM_001375389.1, NM_001375379.1).
Identifiers: ClinVar variation 3629477 (VCV003629477.1).
Genomic context (GRCh38, chr10:129,841,034, plus strand): 5'-AGTACTGCTGGGGACGTAGCCTCGCGGGGACACGCTGCTTGTATTGCGACTGTAGCCGAC[T>G]GTTGAAATCCCCCCCCCGGCCAAAAATAACATTATTATCAGCGACAGACACTTGGGGGGG-3'